The following is an entry in ClinVar:

NM_001287491.2(TET3):c.2635G>A (p.Gly879Arg)

Gene: TET3 (tet methylcytosine dioxygenase 3; plus strand). Cytogenetic location: 2p13.1.
Variant type: single nucleotide variant.
Coding change: c.2635G>A on transcript NM_001287491.2 (MANE Select); coding-DNA position 2635, G replaced by A.
Protein change: p.Gly879Arg; replaces glycine 879 with arginine.
Molecular consequence: missense variant.
Genome position (GRCh38, 1-based): chr2:74,080,547, G>A. VCF-style: chr2-74080547-G-A. GRCh37 (hg19) VCF-style: chr2-74307674-G-A.
Other names: c.2356G>A, p.Gly786Arg (NM_001366022.1); short protein forms G879R, G786R.
Identifiers: ClinVar variation 5017736 (VCV005017736.1).

ClinVar aggregate classification (germline): Uncertain significance (1 of 4 stars; one submission).

Submission:

GeneDx
Classification: Uncertain significance. Last evaluated: 2026-03-28. Review status: criteria provided, single submitter. Criteria: GeneDx Variant Classification Process June 2021. Collection method: clinical testing. Allele origin: germline.
Comment: Not observed at significant frequency in large population cohorts (gnomAD); In silico analysis supports that this missense variant has a deleterious effect on protein structure/function; Has not been previously published as pathogenic or benign to our knowledge